The following is an entry in ClinVar:

ClinVar aggregate classification (germline): Pathogenic/Likely pathogenic. Review status: criteria provided, multiple submitters, no conflicts (2 of 4 stars). 2 submissions from 2 submitters: Pathogenic (1); Likely pathogenic (1). Last evaluated 2023-07-10.

Conditions:
Nephronophthisis 4 (NPHP4). Also called: NEPHRONOPHTHISIS 4, JUVENILE. Identifiers: Orphanet 655, MedGen C1847013, MONDO:0011752, OMIM 606966.
Senior-Loken syndrome 4 (SLSN4). Identifiers: Orphanet 3156, MedGen C1846979, MONDO:0011756, OMIM 606996.
Nephronophthisis. Also called: Juvenile Nephronophthisis. Identifiers: Orphanet 655, MedGen C0687120, MONDO:0019005, HP:0000090.

Submissions (2):

Labcorp Genetics (formerly Invitae), Labcorp
Classification: Pathogenic for Nephronophthisis. Last evaluated: 2023-07-10. Review status: criteria provided, single submitter. Criteria: Invitae Variant Classification Sherloc (09022015). Collection method: clinical testing. Allele origin: germline.
Comment: This sequence change creates a premature translational stop signal (p.Gly1028Valfs*55) in the NPHP4 gene. It is expected to result in an absent or disrupted protein product. Loss-of-function variants in NPHP4 are known to be pathogenic (PMID: 12205563, 23559409). This variant is present in population databases (no rsID available, gnomAD 0.007%). For these reasons, this variant has been classified as Pathogenic. ClinVar contains an entry for this variant (Variation ID: 1068634). This variant has not been reported in the literature in individuals affected with NPHP4-related conditions.

Fulgent Genetics
Classification: Likely pathogenic for Nephronophthisis 4; Senior-Loken syndrome 4. Last evaluated: 2021-11-12. Review status: criteria provided, single submitter. Criteria: ACMG Guidelines, 2015. Collection method: clinical testing. Allele origin: unknown.

Literature cited by the submitters: PubMed 12205563 (cited by Labcorp Genetics (formerly Invitae), Labcorp); PubMed 23559409 (cited by Labcorp Genetics (formerly Invitae), Labcorp).

NM_015102.5(NPHP4):c.3083del (p.Gly1028fs)

Gene: NPHP4 (nephrocystin 4; minus strand). Cytogenetic location: 1p36.31.
Variant type: Deletion.
Coding change: c.3083del on transcript NM_015102.5 (MANE Select); coding-DNA position 3083, one base deleted (G; older notation c.3083delG).
Protein change: p.Gly1028fs; shifts the reading frame from glycine 1028.
Molecular consequence: frameshift variant. On other transcripts: non-coding transcript variant (1).
Genome position (GRCh38, 1-based): chr1:5,874,619, C deleted on the plus strand (G on the coding strand, the reverse complement: NPHP4 is on the minus strand); the first of 3 consecutive C bases (chr1:5,874,619-5,874,621); deleting any one gives the same sequence. VCF-style (leftmost placement, unchanged base first): chr1-5874618-AC-A. GRCh37 (hg19) VCF-style: chr1-5934678-AC-A.
Other names: c.1544del, p.Gly515fs (NM_001291593.2); c.1547del, p.Gly516fs (NM_001291594.2); short protein forms G1028fs, G515fs, G516fs.
Identifiers: ClinVar variation 1068634 (VCV001068634.8), dbSNP rs1557616007, ClinGen allele CA521017143.